The following is an entry in ClinVar:

ClinVar aggregate classification (germline): Likely pathogenic (1 of 4 stars; one submission).

Submission:

GeneDx
Classification: Likely pathogenic. Last evaluated: 2016-05-11. Review status: criteria provided, single submitter. Criteria: GeneDx Variant Classification (06012015). Collection method: clinical testing. Allele origin: germline. Affected: yes.
Comment: The T110I variant in the GRIN1 gene has not been reported previously as a pathogenic variant, nor as a benign variant, to our knowledge. This variant was not observed in approximately 6500 individuals of European and African American ancestry in the NHLBI Exome Sequencing Project, indicating it is not a common benign variant in these populations. The T110I variant is a non-conservative amino acid substitution, which is likely to impact secondary protein structure as these residues differ in polarity, charge, size and/or other properties. This substitution occurs at a position that is conserved across species. In silico analysis is inconsistent in its predictions as to whether or not the variant is damaging to the protein structure/function. The T110I variant is a strong candidate for a pathogenic variant, however the possibility it may be a rare benign variant cannot be excluded.

NM_007327.4(GRIN1):c.329C>T (p.Thr110Ile)

Gene: GRIN1 (glutamate ionotropic receptor NMDA type subunit 1; plus strand). Cytogenetic location: 9q34.3.
Variant type: single nucleotide variant.
Coding change: c.329C>T on transcript NM_007327.4 (MANE Select); coding-DNA position 329, C replaced by T.
Protein change: p.Thr110Ile; replaces threonine 110 with isoleucine.
Molecular consequence: missense variant.
Genome position (GRCh38, 1-based): chr9:137,142,083, C>T. VCF-style: chr9-137142083-C-T. GRCh37 (hg19) VCF-style: chr9-140036535-C-T.
Other names: c.329C>T, p.Thr110Ile (NM_000832.7, NM_001185090.2, NM_001185091.2 and 1 more transcripts); short protein forms T110I.
Identifiers: ClinVar variation 421219 (VCV000421219.2), dbSNP rs1064794987, ClinGen allele CA16618807.